The following is an entry in ClinVar:

NM_002439.5(MSH3):c.3395A>G (p.Gln1132Arg)

Gene: MSH3 (mutS homolog 3; plus strand). Cytogenetic location: 5q14.1.
Variant type: single nucleotide variant.
Coding change: c.3395A>G on transcript NM_002439.5 (MANE Select); coding-DNA position 3395, A replaced by G.
Protein change: p.Gln1132Arg; replaces glutamine 1132 with arginine.
Molecular consequence: missense variant.
Genome position (GRCh38, 1-based): chr5:80,875,843, A>G. VCF-style: chr5-80875843-A-G. GRCh37 (hg19) VCF-style: chr5-80171662-A-G.
Other names: c.3395A>G (NM_002439.4, NM_002439.3); short protein forms Q1132R.
Identifiers: ClinVar variation 1504382 (VCV001504382.10), dbSNP rs1746299966, ClinGen allele CA360347480.

ClinVar aggregate classification (germline): Uncertain significance. Review status: criteria provided, multiple submitters, no conflicts (2 of 4 stars). 3 submissions from 3 submitters: Uncertain significance (3). Last evaluated 2024-11-02.

Conditions:
Hereditary cancer-predisposing syndrome. Also called: Hereditary neoplastic syndrome; Tumor predisposition; Neoplastic Syndromes, Hereditary; Hereditary Cancer Syndrome. Identifiers: Orphanet 140162, MedGen C0027672, MeSH D009386, MONDO:0015356.

Allele frequency attached by ClinVar (database versions not stated): gnomAD exomes below 0.00001; TOPMed below 0.00001; gnomAD 0.00001.
gnomAD v4.1: 2 of 1,606,090 alleles (0.00012%); highest among the groups gnomAD compares: Non-Finnish European, 0.00017%; no homozygotes.

Submissions (3):

Ambry Genetics
Classification: Uncertain significance for Hereditary cancer-predisposing syndrome. Last evaluated: 2024-11-02. Review status: criteria provided, single submitter. Criteria: Ambry Variant Classification Scheme 2023. Collection method: clinical testing. Allele origin: germline.
Comment: The p.Q1132R variant (also known as c.3395A>G), located in coding exon 24 of the MSH3 gene, results from an A to G substitution at nucleotide position 3395. The glutamine at codon 1132 is replaced by arginine, an amino acid with highly similar properties. This amino acid position is conserved. In addition, this alteration is predicted to be tolerated by in silico analysis. Based on the available evidence, the clinical significance of this variant remains unclear.

Labcorp Genetics (formerly Invitae), Labcorp
Classification: Uncertain significance. Last evaluated: 2024-06-24. Review status: criteria provided, single submitter. Criteria: Invitae Variant Classification Sherloc (09022015). Collection method: clinical testing. Allele origin: germline.
Comment: This sequence change replaces glutamine, which is neutral and polar, with arginine, which is basic and polar, at codon 1132 of the MSH3 protein (p.Gln1132Arg). This variant is not present in population databases (gnomAD no frequency). This variant has not been reported in the literature in individuals affected with MSH3-related conditions. ClinVar contains an entry for this variant (Variation ID: 1504382). Algorithms developed to predict the effect of missense changes on protein structure and function output the following: SIFT: "Not Available"; PolyPhen-2: "Benign"; Align-GVGD: "Not Available". The arginine amino acid residue is found in multiple mammalian species, which suggests that this missense change does not adversely affect protein function. In summary, the available evidence is currently insufficient to determine the role of this variant in disease. Therefore, it has been classified as a Variant of Uncertain Significance.

Quest Diagnostics Nichols Institute San Juan Capistrano
Classification: Uncertain significance. Last evaluated: 2024-02-21. Review status: criteria provided, single submitter. Criteria: Quest Diagnostics criteria. Collection method: clinical testing. Allele origin: unknown.
Comment: The MSH3 c.3395A>G (p.Gln1132Arg) variant has not been reported in individuals with MSH3-related conditions in the published literature. The frequency of this variant in the general population, 0.0000066 (1/152250 chromosomes (Genome Aggregation Database)), is uninformative in the assessment of its pathogenicity. Analysis of this variant using bioinformatics tools for the prediction of the effect of amino acid changes on protein structure and function yielded predictions that this variant is benign. Based on the available information, we are unable to determine the clinical significance of this variant.